The following is an entry in ClinVar:

NM_000020.3(ACVRL1):c.808_820dup (p.Trp274Ter)

Gene: ACVRL1 (activin A receptor like type 1; plus strand). Cytogenetic location: 12q13.13.
Variant type: Duplication.
Coding change: c.808_820dup on transcript NM_000020.3 (MANE Select); coding-DNA positions 808 to 820, 13 bases duplicated (AGCACGCAGCTGT).
Protein change: p.Trp274Ter; replaces tryptophan 274 with a stop codon.
Molecular consequence: nonsense.
Genome position (GRCh38, 1-based): chr12:51,915,260-51,915,272, AGCACGCAGCTGT duplicated. VCF-style (leftmost placement, unchanged base first): chr12-51915259-G-GAGCACGCAGCTGT. GRCh37 (hg19) VCF-style: chr12-52309043-G-GAGCACGCAGCTGT.
Other names: c.808_820dupAGCACGCAGCTGT (NM_000020.2); c.808_820dup, p.Trp274Ter (NM_001077401.2); short protein forms W274*.
Identifiers: ClinVar variation 533341 (VCV000533341.8), dbSNP rs1555153077, ClinGen allele CA658797917.

ClinVar aggregate classification (germline): Pathogenic (1 of 4 stars; one submission).

Conditions:
Telangiectasia, hereditary hemorrhagic, type 2 (HHT2). Also called: ACVRL1-Related Hereditary Hemorrhagic Telangiectasia; Telangiectasia, hereditary hemorrhagic, type II. Identifiers: Orphanet 774, MedGen C1838163, MONDO:0010880, OMIM 600376. Disease mechanism: loss of function.

Submission:

Labcorp Genetics (formerly Invitae), Labcorp
Classification: Pathogenic for Telangiectasia, hereditary hemorrhagic, type 2. Last evaluated: 2018-04-19. Review status: criteria provided, single submitter. Criteria: Invitae Variant Classification Sherloc (09022015). Collection method: clinical testing. Allele origin: germline.
Comment: A different variant (c.822G>A) giving rise to the same protein effect observed here (p.Trp274*) has been reported in an individual affected with suspected hereditary hemorrhagic telangiectasia (PMID: 21158752). This variant has not been reported in the literature in individuals with ACVRL1-related disease. This variant is not present in population databases (ExAC no frequency). This sequence change creates a premature translational stop signal (p.Trp274*) in the ACVRL1 gene. It is expected to result in an absent or disrupted protein product. Loss-of-function variants in ACVRL1 are known to be pathogenic (PMID: 15879500). For these reasons, this variant has been classified as Pathogenic.

Literature cited by the submitters: PubMed 21158752; PubMed 15879500.